The following is an entry in ClinVar:

NM_016203.4(PRKAG2):c.607_625del (p.Arg203fs)

Gene: PRKAG2 (protein kinase AMP-activated non-catalytic subunit gamma 2; minus strand). Cytogenetic location: 7q36.1.
Variant type: Deletion.
Coding change: c.607_625del on transcript NM_016203.4 (MANE Select); coding-DNA positions 607 to 625, 19 bases deleted (AGGTTCTGCCCGTCTTCCT).
Protein change: p.Arg203fs; shifts the reading frame from arginine 203.
Molecular consequence: frameshift variant.
Genome position (GRCh38, 1-based): chr7:151,675,479-151,675,497, AGGAAGACGGGCAGAACCT deleted on the plus strand (AGGTTCTGCCCGTCTTCCT on the coding strand, the reverse complement: PRKAG2 is on the minus strand). VCF-style (leftmost placement, unchanged base first): chr7-151675478-AAGGAAGACGGGCAGAACCT-A. GRCh37 (hg19) VCF-style: chr7-151372564-AAGGAAGACGGGCAGAACCT-A.
Other names: c.475_493del, p.Arg159fs (NM_001040633.2); c.235_253del, p.Arg79fs (NM_001304527.2, NM_001363698.2); short protein forms R159fs, R203fs, R79fs.
Identifiers: ClinVar variation 1171689 (VCV001171689.2), dbSNP rs2151476744, ClinGen allele CA2499218831.

ClinVar aggregate classification (germline): Uncertain significance (1 of 4 stars; one submission).

Conditions:
Cardiomyopathy (CMYO). Also called: Cardiomyopathies. Identifiers: Orphanet 167848, MedGen C0878544, MONDO:0004994, HP:0001638. Inheritance: Various modes of inheritance.

Submission:

Color Diagnostics, LLC DBA Color Health
Classification: Uncertain significance for Cardiomyopathy. Last evaluated: 2021-02-01. Review status: criteria provided, single submitter. Criteria: ACMG Guidelines, 2015. Collection method: clinical testing. Allele origin: germline.
Comment: This variant deletes 19 nucleotides in exon 4 of the PRKAG2 gene, creating a frameshift and premature translation stop signal. This variant is expected to result in an absent or non-functional protein product. To our knowledge, this variant has not been reported in individuals affected with cardiovascular disorders in the literature. This variant has not been identified in the general population by the Genome Aggregation Database (gnomAD). Clinical relevance of loss-of-function truncation and splice variants in the PRKAG2 gene is not clearly established. The available evidence is insufficient to determine the role of this variant in disease conclusively. Therefore, this variant is classified as a Variant of Uncertain Significance.